The following is an entry in ClinVar:

ClinVar aggregate classification (germline): Conflicting classifications of pathogenicity. Review status: criteria provided, conflicting classifications (1 of 4 stars). 5 submissions from 5 submitters: Likely pathogenic (1); Uncertain significance (4). Last evaluated 2025-12-29.

Conditions:
King Denborough syndrome (KDS). Identifiers: MedGen C1840365, MONDO:0020485, OMIM 619542.
Central core myopathy (CMYO1A). Also called: CONGENITAL MYOPATHY 1A, AUTOSOMAL DOMINANT, WITH SUSCEPTIBILITY TO MALIGNANT HYPERTHERMIA; Central core disease; Myopathy, central fibrillar. Identifiers: Orphanet 597, MedGen C5830701, MONDO:0007294, OMIM 117000.
Malignant hyperthermia, susceptibility to, 1 (MHS1). Also called: Malignant hyperthermia suceptibility 1; Anesthesia related hyperthermia; Malignant hyperpyrexia; Fulminating hyperpyrexia; Pharmacogenic myopathy; RYR1-Related Malignant Hyperthermia Susceptibility. Identifiers: Orphanet 423, MedGen C2930980, MONDO:0007783, OMIM 145600.
Congenital multicore myopathy with external ophthalmoplegia (CMYO1B). Also called: Congenital myopathy 1B, autosomal recessive; Minicore myopathy; MULTICORE MYOPATHY; Minicore myopathy with external ophthalmoplegia; MULTIMINICORE DISEASE WITH EXTERNAL OPHTHALMOPLEGIA. Identifiers: Orphanet 598, Orphanet 98905, MedGen C1850674, MONDO:0009712, OMIM 255320, HP:0003789.
RYR1-related disorder. Also called: RYR1-related disorders; RYR1-related condition. Identifiers: MedGen CN239331.

Submissions (5):

Labcorp Genetics (formerly Invitae), Labcorp
Classification: Uncertain significance for RYR1-related disorder. Last evaluated: 2025-12-29. Review status: criteria provided, single submitter. Criteria: Invitae Variant Classification Sherloc (09022015). Collection method: clinical testing. Allele origin: germline.
Comment: This variant, c.14427_14429del, results in the deletion of 1 amino acid(s) of the RYR1 protein (p.Phe4810del), but otherwise preserves the integrity of the reading frame. This variant is not present in population databases (gnomAD no frequency). This variant has been observed in individuals with autosomal recessive central core disease and/or autosomal recessive myopathy (PMID: 23553484, 37207825). This variant is also known as p.Phe4808del. Experimental studies and prediction algorithms are not available or were not evaluated, and the functional significance of this variant is currently unknown. In summary, the available evidence is currently insufficient to determine the role of this variant in disease. Therefore, it has been classified as a Variant of Uncertain Significance.

3billion
Classification: Uncertain significance for Congenital multicore myopathy with external ophthalmoplegia. Last evaluated: 2025-10-13. Review status: criteria provided, single submitter. Criteria: ACMG Guidelines, 2015. Collection method: clinical testing. Allele origin: germline. Affected: yes.
Comment: The variant is observed at an extremely low frequency in the gnomAD v4.1.0 dataset (total allele frequency: <0.001%). Predicted Consequence/Location: Inframe deletion located in a nonrepeat region: predicted to change the length of the protein and disrupt normal protein function. The variant has been reported to be associated with RYR1-related disorder (PMID: 23553484). However, the evidence of pathogenicity is insufficient at this time. Therefore, this variant is classified as VUS according to the recommendation of ACMG/AMP guideline.

CeGaT Center for Human Genetics Tuebingen
Classification: Likely pathogenic. Last evaluated: 2020-07-01. Review status: criteria provided, single submitter. Criteria: CeGaT Center For Human Genetics Tuebingen Variant Classification Criteria Version 2. Collection method: clinical testing. Allele origin: germline. Affected: yes. Observed: 2 variant alleles.

GeneDx
Classification: Uncertain significance. Last evaluated: 2018-08-07. Review status: criteria provided, single submitter. Criteria: GeneDx Variant Classification (06012015). Collection method: clinical testing. Allele origin: germline. Affected: yes.
Comment: A variant of uncertain significance has been identified in the RYR1gene. The c.14427_14429delCTT variant has been reported previously (using alternative nomenclature) in trans with a missense variant in an individual with a RYR1-related myopathy (Bharucha-Goebel et al., 2013) The c.14427_14429delCTT variant is not observed in large population cohorts (Lek et al., 2016; 1000 Genomes Consortium et al., 2015; Exome Variant Server). The c.14427_14429delCTT variant results in an in-frame deletion of one amino acid, denoted p.Phe4810del. In silico analysis predicts this variant is probably damaging to the protein structure/function. The deleted amnio acid occurs at a position that is conserved. Based on the currently available information, it is unclear whether this variant is a pathogenic variant or a rare benign variant.

Juno Genomics, Hangzhou Juno Genomics, Inc
Classification: Uncertain significance for Central core myopathy; King Denborough syndrome; Congenital multicore myopathy with external ophthalmoplegia; Malignant hyperthermia, susceptibility to, 1. Review status: criteria provided, single submitter. Criteria: ACMG Guidelines, 2015. Collection method: clinical testing. Allele origin: germline. Affected: yes.
Comment: Absent from controls (or at extremely low frequency if recessive) in Genome Aggregation Database, Exome Sequencing Project, 1000 Genomes Project, or Exome Aggregation Consortium.;Patient's phenotype or family history is highly specific for a disease with a single genetic etiology.;Protein length changes due to in-frame deletions/insertions in a non-repeat region or stop-loss variants.

Literature cited by the submitters: PubMed 23553484 (cited by Labcorp Genetics (formerly Invitae), Labcorp and 3billion); PubMed 37207825 (cited by Labcorp Genetics (formerly Invitae), Labcorp).

NM_000540.3(RYR1):c.14421CTT[2] (p.Phe4810del)

Gene: RYR1 (ryanodine receptor 1; plus strand). Cytogenetic location: 19q13.2.
Variant type: Microsatellite.
Coding change: c.14421CTT[2] on transcript NM_000540.3 (MANE Select); two copies in a row of the 3-base unit CTT starting at c.14421; the reference has three copies in a row; one copy, 3 bases deleted; also written c.14427_14429del.
Protein change: p.Phe4810del; deletes phenylalanine 4810.
Molecular consequence: inframe deletion.
Genome position (GRCh38, 1-based): chr19:38,580,044-38,580,046, CTT deleted; deleting any 3 consecutive bases within chr19:38,580,038-38,580,046 gives the same sequence; the position shown is the placement nearest the transcript's 3' end. VCF-style (leftmost placement, unchanged base first): chr19-38580037-ACTT-A. GRCh37 (hg19) VCF-style: chr19-39070677-ACTT-A.
Other names: c.14406CTT[2], p.Phe4805del (NM_001042723.2); c.14427_14429del (NM_000540.3); c.14427_14429delCTT (NM_000540.2); short protein forms F4810del, F4805del.
Identifiers: ClinVar variation 449523 (VCV000449523.51), dbSNP rs1555803810, ClinGen allele CA658658814.